The following is an entry in ClinVar:

NM_012186.3(FOXE3):c.188G>C (p.Arg63Pro)

Genes: FOXE3 (forkhead box E3; plus strand), LINC01389 (long independently transcribed non-coding RNA 1389; minus strand). Cytogenetic location: 1p33.
Variant type: single nucleotide variant.
Coding change: c.188G>C on transcript NM_012186.3 (MANE Select); coding-DNA position 188, G replaced by C.
Protein change: p.Arg63Pro; replaces arginine 63 with proline.
Molecular consequence: missense variant.
Genome position (GRCh38, 1-based): chr1:47,416,503, G>C. VCF-style: chr1-47416503-G-C. GRCh37 (hg19) VCF-style: chr1-47882175-G-C.
Other names: c.188G>C (NM_012186.2); short protein forms R63P.
Identifiers: ClinVar variation 2199820 (VCV002199820.5), dbSNP rs1646883439, ClinGen allele CA340249206.
Genomic context (GRCh38, chr1:47,416,503, plus strand): 5'-AGGCGGCGGCTGGCCGCGGAGAGGCGGCCCCCACGCCCGCGCCCGGCCCGGGGCGGCGGC[G>C]GCGGCGGCCCCTGCAGCGCGGGAAGCCGCCCTACTCGTACATCGCGCTCATCGCCATGGC-3'
Protein context (NP_036318.1, residues 53-73): PTPAPGPGRR[Arg63Pro]RRPLQRGKPP

ClinVar aggregate classification (germline): Uncertain significance. Review status: criteria provided, multiple submitters, no conflicts (2 of 4 stars). 2 submissions from 2 submitters: Uncertain significance (2). Last evaluated 2025-12-28.

Conditions:
Anterior segment dysgenesis. Also called: Ocular anterior segment dysgenesis. Identifiers: Orphanet 88632, MedGen C1862839, MONDO:0019503, HP:0007700.
Congenital primary aphakia. Also called: Anterior segment dysgenesis 2, multiple subtypes; ANTERIOR SEGMENT DYSGENESIS 2. Identifiers: Orphanet 83461, MedGen C1853230, MONDO:0012456, OMIM 610256.
Cardiovascular phenotype. Identifiers: MedGen CN230736.

Allele frequency attached by ClinVar (database versions not stated): TOPMed below 0.00001; gnomAD 0.00001.

Submissions (2):

Labcorp Genetics (formerly Invitae), Labcorp
Classification: Uncertain significance for Anterior segment dysgenesis; Congenital primary aphakia. Last evaluated: 2025-12-28. Review status: criteria provided, single submitter. Criteria: Invitae Variant Classification Sherloc (09022015). Collection method: clinical testing. Allele origin: germline.
Comment: This sequence change replaces arginine, which is basic and polar, with proline, which is neutral and non-polar, at codon 63 of the FOXE3 protein (p.Arg63Pro). This variant is not present in population databases (gnomAD no frequency). This variant has not been reported in the literature in individuals affected with FOXE3-related conditions. ClinVar contains an entry for this variant (Variation ID: 2199820). Invitae Evidence Modeling of protein sequence and biophysical properties (such as structural, functional, and spatial information, amino acid conservation, physicochemical variation, residue mobility, and thermodynamic stability) indicates that this missense variant is not expected to disrupt FOXE3 protein function with a negative predictive value of 80%. In summary, the available evidence is currently insufficient to determine the role of this variant in disease. Therefore, it has been classified as a Variant of Uncertain Significance.

Ambry Genetics
Classification: Uncertain significance for Cardiovascular phenotype. Last evaluated: 2024-03-19. Review status: criteria provided, single submitter. Criteria: Ambry Variant Classification Scheme 2023. Collection method: clinical testing. Allele origin: germline.
Comment: The p.R63P variant (also known as c.188G>C), located in coding exon 1 of the FOXE3 gene, results from a G to C substitution at nucleotide position 188. The arginine at codon 63 is replaced by proline, an amino acid with dissimilar properties. This amino acid position is conserved. In addition, the in silico prediction for this alteration is inconclusive. Based on the available evidence, the clinical significance of this alteration remains unclear.